The following is an entry in ClinVar:

ClinVar aggregate classification (germline): Uncertain significance (1 of 4 stars; one submission).

Conditions:
Developmental and epileptic encephalopathy, 30 (DEE30). Also called: Epileptic encephalopathy, early infantile, 30. Identifiers: MedGen C4225360, MONDO:0014595, OMIM 616341.

Submission:

Labcorp Genetics (formerly Invitae), Labcorp
Classification: Uncertain significance for Developmental and epileptic encephalopathy, 30. Last evaluated: 2024-09-24. Review status: criteria provided, single submitter. Criteria: Invitae Variant Classification Sherloc (09022015). Collection method: clinical testing. Allele origin: germline.
Comment: This sequence change replaces serine, which is neutral and polar, with threonine, which is neutral and polar, at codon 5 of the SIK1 protein (p.Ser5Thr). This variant is present in population databases (no rsID available, gnomAD 0.007%). This variant has not been reported in the literature in individuals affected with SIK1-related conditions. Invitae Evidence Modeling of protein sequence and biophysical properties (such as structural, functional, and spatial information, amino acid conservation, physicochemical variation, residue mobility, and thermodynamic stability) indicates that this missense variant is not expected to disrupt SIK1 protein function with a negative predictive value of 95%. In summary, the available evidence is currently insufficient to determine the role of this variant in disease. Therefore, it has been classified as a Variant of Uncertain Significance.

NM_173354.5(SIK1):c.13T>A (p.Ser5Thr)

Gene: SIK1 (salt inducible kinase 1; minus strand). Cytogenetic location: 21q22.3.
Variant type: single nucleotide variant.
Coding change: c.13T>A on transcript NM_173354.5 (MANE Select); coding-DNA position 13, T replaced by A.
Protein change: p.Ser5Thr; replaces serine 5 with threonine.
Molecular consequence: missense variant.
Genome position (GRCh38, 1-based): chr21:43,426,166, A>T on the plus strand (T>A on the coding strand, the complement: SIK1 is on the minus strand). VCF-style: chr21-43426166-A-T. GRCh37 (hg19) VCF-style: chr21-44846046-A-T.
Other names: short protein forms S5T.
Identifiers: ClinVar variation 2898530 (VCV002898530.3), dbSNP rs1311632934, ClinGen allele CA410611201.